The following is an entry in ClinVar:

ClinVar aggregate classification (germline): Likely benign (0 of 4 stars; one submission).

Conditions:
MRPS34-related disorder. Also called: MRPS34-related condition.

gnomAD v4.1: 3 of 1,445,282 alleles (0.00021%); highest among the groups gnomAD compares: South Asian, 0.0029%; no homozygotes.

Submission:

PreventionGenetics, part of Exact Sciences
Classification: Likely benign for MRPS34-related condition. Last evaluated: 2023-01-12. Review status: no assertion criteria provided. Collection method: clinical testing. Allele origin: germline.
Comment: This variant is classified as likely benign based on ACMG/AMP sequence variant interpretation guidelines (Richards et al. 2015 PMID: 25741868, with internal and published modifications).

NM_023936.2(MRPS34):c.291C>T (p.Leu97=)

Genes: EME2 (essential meiotic structure-specific endonuclease subunit 2; plus strand), MRPS34 (mitochondrial ribosomal protein S34; minus strand), LOC130058183 (ATAC-STARR-seq lymphoblastoid silent region 7002; plus strand). Cytogenetic location: 16p13.3.
Variant type: single nucleotide variant.
Coding change: c.291C>T on transcript NM_023936.2 (MANE Select); coding-DNA position 291, C replaced by T.
Protein change: p.Leu97=; no amino-acid change (leucine 97 retained).
Molecular consequence: synonymous variant. On other transcripts: 5 prime UTR variant (1).
Genome position (GRCh38, 1-based): chr16:1,772,829, G>A on the plus strand (C>T on the coding strand, the complement: MRPS34 is on the minus strand). VCF-style: chr16-1772829-G-A. GRCh37 (hg19) VCF-style: chr16-1822830-G-A.
Other names: c.-399G>A (NM_001257370.2); c.291C>T, p.Leu97= (NM_001300900.2).
Identifiers: ClinVar variation 3061716 (VCV003061716.2), dbSNP rs1416116979, ClinGen allele CA493034129.
Genomic context (GRCh38, chr16:1,772,829, plus strand): 5'-AGGGGCGGGGTGCGGACGGGGTGCACGCACCTGCGCCGTGTAGTCGGGCCGCACCCGCGT[G>A]AGGCGCCAGTAGCACGGCTCGTCGTGCTGCCACAGCCAGGACTTGCGCGTGACCAGGCGG-3'
Protein context (NP_076425.1, residues 87-107): WQHDEPCYWR[Leu97=]TRVRPDYTAQ